The following is an entry in ClinVar:

NM_001135629.3(PPP1R21):c.261C>G (p.Gly87=)

Gene: PPP1R21 (protein phosphatase 1 regulatory subunit 21; plus strand). Cytogenetic location: 2p16.3.
Variant type: single nucleotide variant.
Coding change: c.261C>G on transcript NM_001135629.3 (MANE Select); coding-DNA position 261, C replaced by G.
Protein change: p.Gly87=; no amino-acid change (glycine 87 retained).
Molecular consequence: synonymous variant. On other transcripts: non-coding transcript variant (1).
Genome position (GRCh38, 1-based): chr2:48,454,729, C>G. VCF-style: chr2-48454729-C-G. GRCh37 (hg19) VCF-style: chr2-48681868-C-G.
Other names: c.261C>G, p.Gly87= (NM_001193475.2, NM_152994.5).
Identifiers: ClinVar variation 1233571 (VCV001233571.6), dbSNP rs76587580, ClinGen allele CA1650745.

ClinVar aggregate classification (germline): Benign. Review status: criteria provided, multiple submitters, no conflicts (2 of 4 stars). 3 submissions from 3 submitters: Benign (2). 1 of the submissions does not count toward it. Last evaluated 2021-01-27.

Conditions:
PPP1R21-related disorder. Also called: PPP1R21-related condition.

Allele frequency attached by ClinVar (database versions not stated): 1000 Genomes Project 30x 0.03045; 1000 Genomes Project 0.03055; TOPMed 0.06710; ExAC 0.07449; gnomAD exomes 0.07459 and 0.10247; ESP Exome Variant Server 0.07704.
gnomAD v4.1: 160,032 of 1,612,774 alleles (9.9%); highest among the groups gnomAD compares: Non-Finnish European, 12%; 9,434 homozygotes.

Submissions (3):

GeneDx
Classification: Benign. Last evaluated: 2021-01-27. Review status: criteria provided, single submitter. Criteria: GeneDx Variant Classification Process June 2021. Collection method: clinical testing. Allele origin: germline. Affected: yes.

Breakthrough Genomics
Classification: Benign. Review status: criteria provided, single submitter. Criteria: ACMG Guidelines, 2015. Collection method: not provided. Allele origin: germline. Inheritance: Autosomal recessive inheritance. Affected: yes.

PreventionGenetics, part of Exact Sciences
Classification: Benign for PPP1R21-related condition. Last evaluated: 2019-08-08. Review status: no assertion criteria provided. Collection method: clinical testing. Allele origin: germline. Not counted in ClinVar's aggregate classification.
Comment: This variant is classified as benign based on ACMG/AMP sequence variant interpretation guidelines (Richards et al. 2015 PMID: 25741868, with internal and published modifications).